The following is an entry in ClinVar:

NM_001127208.3(TET2):c.2952A>T (p.Glu984Asp)

Genes: TET2 (tet methylcytosine dioxygenase 2; plus strand), TET2-AS1 (TET2 antisense RNA 1; minus strand). Cytogenetic location: 4q24.
Variant type: single nucleotide variant.
Coding change: c.2952A>T on transcript NM_001127208.3 (MANE Select); coding-DNA position 2952, A replaced by T.
Protein change: p.Glu984Asp; replaces glutamic acid 984 with aspartic acid.
Molecular consequence: missense variant.
Genome position (GRCh38, 1-based): chr4:105,236,894, A>T. VCF-style: chr4-105236894-A-T. GRCh37 (hg19) VCF-style: chr4-106158051-A-T.
Other names: c.2952A>T, p.Glu984Asp (NM_017628.4); short protein forms E984D.
Identifiers: ClinVar variation 5030695 (VCV005030695.1).

ClinVar aggregate classification (germline): Uncertain significance (1 of 4 stars; one submission).

Submission:

Ambry Genetics
Classification: Uncertain significance. Last evaluated: 2026-07-03. Review status: criteria provided, single submitter. Criteria: Ambry Variant Classification Scheme 2023. Collection method: clinical testing. Allele origin: germline.
Comment: The p.E984D variant (also known as c.2952A>T), located in coding exon 1 of the TET2 gene, results from an A to T substitution at nucleotide position 2952. The glutamic acid at codon 984 is replaced by aspartic acid, an amino acid with highly similar properties. This amino acid position is conserved. In addition, this alteration is predicted to be tolerated by in silico analysis. Based on the available evidence, the clinical significance of this variant remains unclear.